The following is an entry in ClinVar:

NM_022436.3(ABCG5):c.634+1G>C

Genes: ABCG5 (ATP binding cassette subfamily G member 5; minus strand), DYNC2LI1 (dynein cytoplasmic 2 light intermediate chain 1; plus strand). Cytogenetic location: 2p21.
Variant type: single nucleotide variant.
Coding change: c.634+1G>C on transcript NM_022436.3 (MANE Select); the canonical splice donor site of the intron after coding-DNA position 634, G replaced by C.
Molecular consequence: splice donor variant. On other transcripts: 3 prime UTR variant (2).
Genome position (GRCh38, 1-based): chr2:43,827,982, C>G on the plus strand (G>C on the coding strand, the complement: ABCG5 is on the minus strand). VCF-style: chr2-43827982-C-G. GRCh37 (hg19) VCF-style: chr2-44055121-C-G.
Other names: c.*612C>G (NM_001348912.2, NM_001348913.2).
Identifiers: ClinVar variation 2683638 (VCV002683638.3), dbSNP rs370368811, ClinGen allele CA1636584.

ClinVar aggregate classification (germline): Likely pathogenic. Review status: criteria provided, multiple submitters, no conflicts (2 of 4 stars). 2 submissions from 2 submitters: Likely pathogenic (2). Last evaluated 2024-02-10.

Conditions:
Sitosterolemia (STSL). Also called: PHYTOSTEROLEMIA. Identifiers: Orphanet 2882, MedGen C0342907, MONDO:0008863.

Allele frequency attached by ClinVar (database versions not stated): TOPMed 0.00001; gnomAD 0.00001; ExAC 0.00002; ESP Exome Variant Server 0.00008.
gnomAD v4.1: 12 of 1,613,908 alleles (0.00074%); highest among the groups gnomAD compares: Non-Finnish European, 0.001%; no homozygotes.

Submissions (2):

Labcorp Genetics (formerly Invitae), Labcorp
Classification: Likely pathogenic for Sitosterolemia. Last evaluated: 2024-02-10. Review status: criteria provided, single submitter. Criteria: Invitae Variant Classification Sherloc (09022015). Collection method: clinical testing. Allele origin: germline.
Comment: This sequence change affects a donor splice site in intron 5 of the ABCG5 gene. It is expected to disrupt RNA splicing. Variants that disrupt the donor or acceptor splice site typically lead to a loss of protein function (PMID: 16199547), and loss-of-function variants in ABCG5 are known to be pathogenic (PMID: 11138003, 25665839). This variant is present in population databases (rs370368811, gnomAD 0.002%). This variant has not been reported in the literature in individuals affected with ABCG5-related conditions. Algorithms developed to predict the effect of sequence changes on RNA splicing suggest that this variant may disrupt the consensus splice site. In summary, the currently available evidence indicates that the variant is pathogenic, but additional data are needed to prove that conclusively. Therefore, this variant has been classified as Likely Pathogenic.

Mayo Clinic Laboratories, Mayo Clinic
Classification: Likely pathogenic. Last evaluated: 2022-03-29. Review status: criteria provided, single submitter. Criteria: ACMG Guidelines, 2015. Collection method: clinical testing. Allele origin: germline. Observed: 1 variant allele.
Comment: PP3, PVS1

Literature cited by the submitters: PubMed 16199547 (cited by Labcorp Genetics (formerly Invitae), Labcorp); PubMed 11138003 (cited by Labcorp Genetics (formerly Invitae), Labcorp); PubMed 25665839 (cited by Labcorp Genetics (formerly Invitae), Labcorp).